The following is an entry in ClinVar:

ClinVar aggregate classification (germline): Likely benign (0 of 4 stars; one submission).

Conditions:
PKD1-related disorder. Also called: PKD1-related condition.

Submission:

PreventionGenetics, part of Exact Sciences
Classification: Likely benign for PKD1-related condition. Last evaluated: 2023-09-29. Review status: no assertion criteria provided. Collection method: clinical testing. Allele origin: germline.
Comment: This variant is classified as likely benign based on ACMG/AMP sequence variant interpretation guidelines (Richards et al. 2015 PMID: 25741868, with internal and published modifications).

NM_001009944.3(PKD1):c.2556T>G (p.Gly852=)

Gene: PKD1 (polycystin 1, transient receptor potential channel interacting; minus strand). Cytogenetic location: 16p13.3.
Variant type: single nucleotide variant.
Coding change: c.2556T>G on transcript NM_001009944.3 (MANE Select); coding-DNA position 2556, T replaced by G.
Protein change: p.Gly852=; no amino-acid change (glycine 852 retained).
Molecular consequence: synonymous variant.
Genome position (GRCh38, 1-based): chr16:2,114,467, A>C on the plus strand (T>G on the coding strand, the complement: PKD1 is on the minus strand). VCF-style: chr16-2114467-A-C. GRCh37 (hg19) VCF-style: chr16-2164468-A-C.
Other names: c.2556T>G, p.Gly852= (NM_000296.4).
Identifiers: ClinVar variation 3050379 (VCV003050379.2), dbSNP rs2544853302, ClinGen allele CA493049665.
Genomic context (GRCh38, chr16:2,114,467, plus strand): 5'-ATTCTCAAAGCGGGCGCTGACACTGCCCCCAGGCCAGCGAGCCGTGGCCGTGGCGTTGGC[A>C]CCAGAGTCCACCTGGAGCACCAAGGCTGAGCCGTTGGTGGGCACGTAGAGGCGGCCGTCG-3'
Protein context (NP_001009944.3, residues 842-862): GSALVLQVDS[Gly852=]ANATATARWP